The following is an entry in ClinVar:

ClinVar aggregate classification (germline): Uncertain significance. Review status: criteria provided, multiple submitters, no conflicts (2 of 4 stars). 3 submissions from 3 submitters: Uncertain significance (3). Last evaluated 2024-05-01.

Conditions:
Cerebral arteriopathy, autosomal dominant, with subcortical infarcts and leukoencephalopathy, type 1 (CADASIL1). Also called: CADASIL 1; CASIL; Cerebral arteriopathy with subcortical infarcts and leukoencephalopathy 1; DEMENTIA, HEREDITARY MULTIINFARCT TYPE. Identifiers: Orphanet 136, MedGen C4551768, MONDO:0000914, OMIM 125310.

Allele frequency attached by ClinVar (database versions not stated): gnomAD 0.00001; TOPMed 0.00002.
gnomAD v4.1: 6 of 1,274,326 alleles (0.00047%); highest among the groups gnomAD compares: Admixed American, 0.0031%; no homozygotes.

Submissions (3):

CeGaT Center for Human Genetics Tuebingen
Classification: Uncertain significance. Last evaluated: 2024-05-01. Review status: criteria provided, single submitter. Criteria: CeGaT Center For Human Genetics Tuebingen Variant Classification Criteria Version 2. Collection method: clinical testing. Allele origin: germline. Affected: yes. Observed: 1 variant allele.
Comment: NOTCH3: PP3

Labcorp Genetics (formerly Invitae), Labcorp
Classification: Uncertain significance. Last evaluated: 2022-10-17. Review status: criteria provided, single submitter. Criteria: Invitae Variant Classification Sherloc (09022015). Collection method: clinical testing. Allele origin: germline.
Comment: This sequence change replaces proline, which is neutral and non-polar, with leucine, which is neutral and non-polar, at codon 36 of the NOTCH3 protein (p.Pro36Leu). The frequency data for this variant in the population databases is considered unreliable, as metrics indicate poor data quality at this position in the gnomAD database. This variant has not been reported in the literature in individuals affected with NOTCH3-related conditions. ClinVar contains an entry for this variant (Variation ID: 1032356). Advanced modeling of protein sequence and biophysical properties (such as structural, functional, and spatial information, amino acid conservation, physicochemical variation, residue mobility, and thermodynamic stability) performed at Invitae indicates that this missense variant is not expected to disrupt NOTCH3 protein function. In summary, the available evidence is currently insufficient to determine the role of this variant in disease. Therefore, it has been classified as a Variant of Uncertain Significance.

Baylor Genetics
Classification: Uncertain significance for Cerebral arteriopathy, autosomal dominant, with subcortical infarcts and leukoencephalopathy, type 1. Last evaluated: 2018-11-02. Review status: criteria provided, single submitter. Criteria: ACMG Guidelines, 2015. Collection method: clinical testing. Allele origin: paternal. Affected: yes.
Comment: This variant was determined to be of uncertain significance according to ACMG Guidelines, 2015 [PMID:25741868].

NM_000435.3(NOTCH3):c.107C>T (p.Pro36Leu)

Gene: NOTCH3 (notch receptor 3; minus strand). Cytogenetic location: 19p13.12.
Variant type: single nucleotide variant.
Coding change: c.107C>T on transcript NM_000435.3 (MANE Select); coding-DNA position 107, C replaced by T.
Protein change: p.Pro36Leu; replaces proline 36 with leucine.
Molecular consequence: missense variant.
Genome position (GRCh38, 1-based): chr19:15,200,799, G>A on the plus strand (C>T on the coding strand, the complement: NOTCH3 is on the minus strand). VCF-style: chr19-15200799-G-A. GRCh37 (hg19) VCF-style: chr19-15311610-G-A.
Other names: short protein forms P36L.
Identifiers: ClinVar variation 1032356 (VCV001032356.27), dbSNP rs1311684711, ClinGen allele CA404483494.